The following is an entry in ClinVar:

ClinVar aggregate classification (germline): Likely benign. Review status: criteria provided, single submitter (1 of 4 stars). 2 submissions from 2 submitters: Likely benign (1). 1 of the submissions does not count toward it. Last evaluated 2023-04-06.

Conditions:
SLC18A2-related disorder. Also called: SLC18A2-related condition.

Allele frequency attached by ClinVar (database versions not stated): ExAC 0.00003; gnomAD 0.00005; gnomAD exomes 0.00013 and 0.00002; TOPMed 0.00003.
gnomAD v4.1: 195 of 1,613,934 alleles (0.012%); highest among the groups gnomAD compares: Non-Finnish European, 0.016%; no homozygotes.

Submissions (2):

Labcorp Genetics (formerly Invitae), Labcorp
Classification: Likely benign. Last evaluated: 2023-04-06. Review status: criteria provided, single submitter. Criteria: Invitae Variant Classification Sherloc (09022015). Collection method: clinical testing. Allele origin: germline.

PreventionGenetics, part of Exact Sciences
Classification: Likely benign for SLC18A2-related condition. Last evaluated: 2021-12-24. Review status: no assertion criteria provided. Collection method: clinical testing. Allele origin: germline. Not counted in ClinVar's aggregate classification.
Comment: This variant is classified as likely benign based on ACMG/AMP sequence variant interpretation guidelines (Richards et al. 2015 PMID: 25741868, with internal and published modifications).

NM_003054.6(SLC18A2):c.147C>T (p.Tyr49=)

Gene: SLC18A2 (solute carrier family 18 member A2; plus strand). Cytogenetic location: 10q25.3.
Variant type: single nucleotide variant.
Coding change: c.147C>T on transcript NM_003054.6 (MANE Select); coding-DNA position 147, C replaced by T.
Protein change: p.Tyr49=; no amino-acid change (tyrosine 49 retained).
Molecular consequence: synonymous variant.
Genome position (GRCh38, 1-based): chr10:117,243,996, C>T. VCF-style: chr10-117243996-C-T. GRCh37 (hg19) VCF-style: chr10-119003507-C-T.
Identifiers: ClinVar variation 742989 (VCV000742989.8), dbSNP rs760128760, ClinGen allele CA5710209.